The following is an entry in ClinVar:

NM_015294.6(TRIM37):c.745C>T (p.Gln249Ter)

Gene: TRIM37 (tripartite motif containing 37; minus strand). Cytogenetic location: 17q22.
Variant type: single nucleotide variant.
Coding change: c.745C>T on transcript NM_015294.6 (MANE Select); coding-DNA position 745, C replaced by T.
Protein change: p.Gln249Ter; replaces glutamine 249 with a stop codon.
Molecular consequence: nonsense. On other transcripts: non-coding transcript variant (2).
Genome position (GRCh38, 1-based): chr17:59,070,887, G>A on the plus strand (C>T on the coding strand, the complement: TRIM37 is on the minus strand). VCF-style: chr17-59070887-G-A. GRCh37 (hg19) VCF-style: chr17-57148248-G-A.
Other names: c.745C>T, p.Gln249Ter (NM_001005207.5, NM_001320988.3, NM_001320989.3 and 2 more transcripts); c.643C>T, p.Gln215Ter (NM_001320987.3, NM_001353082.2); c.379C>T, p.Gln127Ter (NM_001320990.3); c.10C>T, p.Gln4Ter (NM_001353083.2); c.283C>T, p.Gln95Ter (NM_001353085.2); short protein forms Q249*, Q4*, Q95*, Q127*, Q215*.
Identifiers: ClinVar variation 56570 (VCV000056570.10), dbSNP rs386834005, ClinGen allele CA144378.

ClinVar aggregate classification (germline): Pathogenic. Review status: criteria provided, multiple submitters, no conflicts (2 of 4 stars). 3 submissions from 3 submitters: Pathogenic (2). 1 of the submissions does not count toward it. Last evaluated 2023-05-15.

Conditions:
Mulibrey nanism syndrome. Also called: MUSCLE-LIVER-BRAIN-EYE NANISM; PERHEENTUPA SYNDROME; PERICARDIAL CONSTRICTION AND GROWTH FAILURE. Identifiers: Orphanet 2576, MedGen C0524582, MONDO:0009664, OMIM 253250.

Allele frequency attached by ClinVar (database versions not stated): gnomAD exomes below 0.00001 and 0.00002.
gnomAD v4.1: 27 of 1,614,024 alleles (0.0017%); highest among the groups gnomAD compares: Non-Finnish European, 0.0022%; no homozygotes.

Submissions (3):

Baylor Genetics
Classification: Pathogenic for Mulibrey nanism syndrome. Last evaluated: 2023-05-15. Review status: criteria provided, single submitter. Criteria: ACMG Guidelines, 2015. Collection method: clinical testing. Allele origin: unknown.

Labcorp Genetics (formerly Invitae), Labcorp
Classification: Pathogenic. Last evaluated: 2023-02-05. Review status: criteria provided, single submitter. Criteria: Invitae Variant Classification Sherloc (09022015). Collection method: clinical testing. Allele origin: germline.
Comment: This sequence change creates a premature translational stop signal (p.Gln249*) in the TRIM37 gene. It is expected to result in an absent or disrupted protein product. Loss-of-function variants in TRIM37 are known to be pathogenic (PMID: 10888877, 15108285). This variant is present in population databases (rs386834005, gnomAD 0.0009%). This premature translational stop signal has been observed in individual(s) with mulibrey nanism (PMID: 15108285). ClinVar contains an entry for this variant (Variation ID: 56570). Algorithms developed to predict the effect of sequence changes on RNA splicing suggest that this variant may disrupt the consensus splice site. For these reasons, this variant has been classified as Pathogenic.

Juha Muilu Group; Institute for Molecular Medicine Finland (FIMM)
Classification: Likely pathogenic for Mulibrey nanism syndrome. Review status: no assertion criteria provided. Collection method: not provided. Allele origin: unknown. Not counted in ClinVar's aggregate classification.
Comment: FinDis database variant: This variant was not found or characterized by our laboratory, data were collected from public sources: see reference
ClinVar note: Converted during submission from probable-pathogenic to Likely pathogenic.

Literature cited by the submitters: PubMed 10888877 (cited by Labcorp Genetics (formerly Invitae), Labcorp); PubMed 15108285 (cited by Labcorp Genetics (formerly Invitae), Labcorp).